The following is an entry in ClinVar:

NM_001151.4(SLC25A4):c.111+20del

Gene: SLC25A4 (solute carrier family 25 member 4; plus strand). Cytogenetic location: 4q35.1.
Variant type: Deletion.
Coding change: c.111+20del on transcript NM_001151.4 (MANE Select); 20 bases into the intron after coding-DNA position 111, one base deleted (A; older notation c.111+20delA).
Molecular consequence: intron variant.
Genome position (GRCh38, 1-based): chr4:185,143,503, A deleted; the last of 2 consecutive A bases (chr4:185,143,502-185,143,503); deleting either gives the same sequence. VCF-style (leftmost placement, unchanged base first): chr4-185143501-CA-C. GRCh37 (hg19) VCF-style: chr4-186064655-CA-C.
Other names: c.111+20delA (NM_001151.4).
Identifiers: ClinVar variation 1657501 (VCV001657501.9), dbSNP rs1229079162, ClinGen allele CA792208555.
Genomic context (GRCh38, chr4:185,143,501, plus strand): 5'-GACCGCGGTCGCCCCCATCGAGAGGGTCAAACTGCTGCTGCAGGTGAGGACCGCGCGGTG[CA>C]AGAGGCGGGCGCGGGCGCGGCGGGCCGGGCGGGGCGCGCGATGCGGCGCGAGCTGCAGGG-3'

ClinVar aggregate classification (germline): Likely benign. Review status: criteria provided, multiple submitters, no conflicts (2 of 4 stars). 2 submissions from 2 submitters: Likely benign (2). Last evaluated 2025-06-17.

Submissions (2):

Women's Health and Genetics/Laboratory Corporation of America, LabCorp
Classification: Likely benign. Last evaluated: 2025-06-17. Review status: criteria provided, single submitter. Criteria: LabCorp Variant Classification Summary - May 2015. Collection method: clinical testing. Allele origin: germline.
Comment: Variant summary: SLC25A4 c.111+20delA alters a nucleotide located at a position not widely known to affect splicing. Consensus agreement among computation tools predict no significant impact on normal splicing. However, these predictions have yet to be confirmed by functional studies. The variant allele was found at a frequency of 1.8e-05 in 1199078 control chromosomes in the gnomAD database (v4.1 dataset). To our knowledge, no occurrence of c.111+20delA in individuals affected with Mitochondrial DNA Depletion Syndrome 12B (Cardiomyopathic Type) AR and no experimental evidence demonstrating its impact on protein function have been reported. ClinVar contains an entry for this variant (Variation ID: 1657501). Based on the evidence outlined above, the variant was classified as likely benign.

Labcorp Genetics (formerly Invitae), Labcorp
Classification: Likely benign. Last evaluated: 2024-12-09. Review status: criteria provided, single submitter. Criteria: Invitae Variant Classification Sherloc (09022015). Collection method: clinical testing. Allele origin: germline.